The following is an entry in ClinVar:

NM_005732.4(RAD50):c.3884A>G (p.Gln1295Arg)

Genes: RAD50 (RAD50 double strand break repair protein; plus strand), TH2LCRR (T helper type 2 locus control region associated RNA; minus strand). Cytogenetic location: 5q31.1.
Variant type: single nucleotide variant.
Coding change: c.3884A>G on transcript NM_005732.4 (MANE Select); coding-DNA position 3884, A replaced by G.
Protein change: p.Gln1295Arg; replaces glutamine 1295 with arginine.
Molecular consequence: missense variant.
Genome position (GRCh38, 1-based): chr5:132,642,309, A>G. VCF-style: chr5-132642309-A-G. GRCh37 (hg19) VCF-style: chr5-131978001-A-G.
Other names: short protein forms Q1295R.
Identifiers: ClinVar variation 846509 (VCV000846509.13), dbSNP rs1045257429, ClinGen allele CA127238463.

ClinVar aggregate classification (germline): Uncertain significance. Review status: criteria provided, multiple submitters, no conflicts (2 of 4 stars). 2 submissions from 2 submitters: Uncertain significance (2). Last evaluated 2025-11-11.

Conditions:
Hereditary cancer-predisposing syndrome. Also called: Tumor predisposition; Hereditary neoplastic syndrome; Neoplastic Syndromes, Hereditary; Hereditary Cancer Syndrome. Identifiers: Orphanet 140162, MedGen C0027672, MeSH D009386, MONDO:0015356.

Allele frequency attached by ClinVar (database versions not stated): gnomAD 0.00001.
gnomAD v4.1: 2 of 1,613,994 alleles (0.00012%); highest among the groups gnomAD compares: African/African-American, 0.0027%; no homozygotes.

Submissions (2):

Ambry Genetics
Classification: Uncertain significance for Hereditary cancer-predisposing syndrome. Last evaluated: 2025-11-11. Review status: criteria provided, single submitter. Criteria: Ambry Variant Classification Scheme 2023. Collection method: clinical testing. Allele origin: germline.
Comment: The p.Q1295R variant (also known as c.3884A>G), located in coding exon 25 of the RAD50 gene, results from an A to G substitution at nucleotide position 3884. The glutamine at codon 1295 is replaced by arginine, an amino acid with highly similar properties. This amino acid position is highly conserved in available vertebrate species. In addition, this alteration is predicted to be deleterious by in silico analysis. Since supporting evidence is limited at this time, the clinical significance of this alteration remains unclear.

Labcorp Genetics (formerly Invitae), Labcorp
Classification: Uncertain significance for Hereditary cancer-predisposing syndrome. Last evaluated: 2020-02-12. Review status: criteria provided, single submitter. Criteria: Invitae Variant Classification Sherloc (09022015). Collection method: clinical testing. Allele origin: germline.
Comment: This sequence change replaces glutamine with arginine at codon 1295 of the RAD50 protein (p.Gln1295Arg). The glutamine residue is moderately conserved and there is a small physicochemical difference between glutamine and arginine. This variant is not present in population databases (ExAC no frequency). This variant has not been reported in the literature in individuals with RAD50-related conditions. Algorithms developed to predict the effect of missense changes on protein structure and function are either unavailable or do not agree on the potential impact of this missense change (SIFT: "Tolerated"; PolyPhen-2: "Probably Damaging"; Align-GVGD: "Class C0"). In summary, the available evidence is currently insufficient to determine the role of this variant in disease. Therefore, it has been classified as a Variant of Uncertain Significance.